The following is an entry in ClinVar:

ClinVar aggregate classification (germline): Likely pathogenic (1 of 4 stars; one submission).

Submission:

GeneDx
Classification: Likely pathogenic. Last evaluated: 2022-05-10. Review status: criteria provided, single submitter. Criteria: GeneDx Variant Classification Process June 2021. Collection method: clinical testing. Allele origin: germline. Affected: yes.
Comment: Nonsense variant in the C-terminus predicted to result in protein truncation, as the last 50 amino acids are lost, and other loss-of-function variants have been reported downstream in HGMD; Not observed at significant frequency in large population cohorts (gnomAD); Has not been previously published as pathogenic or benign to our knowledge; Reported using an alternate transcript of the gene

NM_001323289.2(CDKL5):c.2733G>A (p.Trp911Ter)

Gene: CDKL5 (cyclin dependent kinase like 5; plus strand). Cytogenetic location: Xp22.13.
Variant type: single nucleotide variant.
Coding change: c.2733G>A on transcript NM_001323289.2 (MANE Select); coding-DNA position 2733, G replaced by A.
Protein change: p.Trp911Ter; replaces tryptophan 911 with a stop codon.
Molecular consequence: nonsense. On other transcripts: intron variant (2).
Genome position (GRCh38, 1-based): chrX:18,628,607, G>A. VCF-style: chrX-18628607-G-A. GRCh37 (hg19) VCF-style: chrX-18646727-G-A.
Other names: c.2713+20G>A (NM_003159.3, NM_001037343.2); short protein forms W911*.
Identifiers: ClinVar variation 506564 (VCV000506564.3), dbSNP rs1555955268, ClinGen allele CA412368561.
Genomic context (GRCh38, chrX:18,628,607, plus strand): 5'-GGAACCCGCACCGAAGGGCAGGCCAGCCCTCCAGCTGCCAGGTCAGATGGATCCTGGTTG[G>A]CATGTGTCCTCTGTGACCAGGAGTGCCACAGAGGGCCCTTCCTACTCTGAACAGCTGGGT-3'